The following is an entry in ClinVar:

ClinVar aggregate classification (germline): Uncertain significance (1 of 4 stars; one submission).

gnomAD v4.1: 4 of 1,597,816 alleles (0.00025%); highest among the groups gnomAD compares: South Asian, 0.0011%; no homozygotes.

Submission:

Labcorp Genetics (formerly Invitae), Labcorp
Classification: Uncertain significance. Last evaluated: 2021-12-29. Review status: criteria provided, single submitter. Criteria: Invitae Variant Classification Sherloc (09022015). Collection method: clinical testing. Allele origin: germline.
Comment: This sequence change replaces alanine, which is neutral and non-polar, with proline, which is neutral and non-polar, at codon 27 of the GTPBP3 protein (p.Ala27Pro). In summary, the available evidence is currently insufficient to determine the role of this variant in disease. Therefore, it has been classified as a Variant of Uncertain Significance. Algorithms developed to predict the effect of missense changes on protein structure and function output the following: SIFT: "Tolerated"; PolyPhen-2: "Benign"; Align-GVGD: "Class C0". The proline amino acid residue is found in multiple mammalian species, which suggests that this missense change does not adversely affect protein function. This variant has not been reported in the literature in individuals affected with GTPBP3-related conditions. This variant is not present in population databases (gnomAD no frequency).

NM_032620.4(GTPBP3):c.79G>C (p.Ala27Pro)

Gene: GTPBP3 (GTP binding protein 3, mitochondrial; plus strand). Cytogenetic location: 19p13.11.
Variant type: single nucleotide variant.
Coding change: c.79G>C on transcript NM_032620.4 (MANE Select); coding-DNA position 79, G replaced by C.
Protein change: p.Ala27Pro; replaces alanine 27 with proline.
Molecular consequence: missense variant.
Genome position (GRCh38, 1-based): chr19:17,338,033, G>C. VCF-style: chr19-17338033-G-C. GRCh37 (hg19) VCF-style: chr19-17448842-G-C.
Other names: c.79G>C, p.Ala27Pro (NM_001128855.3, NM_133644.4); c.145G>C, p.Ala49Pro (NM_001195422.1); short protein forms A49P, A27P.
Identifiers: ClinVar variation 2062908 (VCV002062908.4), dbSNP rs369410374, ClinGen allele CA404731476.